The following is an entry in ClinVar:

ClinVar aggregate classification (germline): Conflicting classifications of pathogenicity. Review status: criteria provided, conflicting classifications (1 of 4 stars). 6 submissions from 6 submitters: Uncertain significance (2); Likely benign (3). 1 of the submissions does not count toward it. Last evaluated 2026-03-01.

Conditions:
Cardiovascular phenotype. Identifiers: MedGen CN230736.
ZNF469-related disorder. Also called: ZNF469-related condition.

Allele frequency attached by ClinVar (database versions not stated): 1000 Genomes Project 30x 0.00031; TOPMed 0.00034; 1000 Genomes Project 0.00040; gnomAD 0.00043 and 0.00044; ExAC 0.00069.
gnomAD v4.1: 525 of 1,549,124 alleles (0.034%); highest among the groups gnomAD compares: Non-Finnish European, 0.038%; no homozygotes.

Submissions (6):

CeGaT Center for Human Genetics Tuebingen
Classification: Likely benign. Last evaluated: 2026-03-01. Review status: criteria provided, single submitter. Criteria: CeGaT Center For Human Genetics Tuebingen Variant Classification Criteria Version 2. Collection method: clinical testing. Allele origin: germline. Affected: yes. Observed: 3 variant alleles.
Comment: ZNF469: BP4

GeneDx
Classification: Uncertain significance. Last evaluated: 2024-09-11. Review status: criteria provided, single submitter. Criteria: GeneDx Variant Classification Process June 2021. Collection method: clinical testing. Allele origin: germline. Affected: yes.
Comment: Has not been previously published as pathogenic or benign to our knowledge; In silico analysis indicates that this missense variant does not alter protein structure/function

Mayo Clinic Laboratories, Mayo Clinic
Classification: Likely benign. Last evaluated: 2024-05-01. Review status: criteria provided, single submitter. Criteria: ACMG Guidelines, 2015. Collection method: clinical testing. Allele origin: germline. Observed: 2 variant alleles.
Comment: BS1, BP4

Ambry Genetics
Classification: Likely benign for Cardiovascular phenotype. Last evaluated: 2022-11-26. Review status: criteria provided, single submitter. Criteria: Ambry Variant Classification Scheme 2023. Collection method: clinical testing. Allele origin: germline.

Labcorp Genetics (formerly Invitae), Labcorp
Classification: Uncertain significance. Last evaluated: 2022-10-05. Review status: criteria provided, single submitter. Criteria: Invitae Variant Classification Sherloc (09022015). Collection method: clinical testing. Allele origin: germline.
Comment: This sequence change replaces arginine, which is basic and polar, with tryptophan, which is neutral and slightly polar, at codon 1609 of the ZNF469 protein (p.Arg1609Trp). This variant is present in population databases (rs575820215, gnomAD 0.2%). This variant has not been reported in the literature in individuals affected with ZNF469-related conditions. ClinVar contains an entry for this variant (Variation ID: 320933). Algorithms developed to predict the effect of missense changes on protein structure and function are either unavailable or do not agree on the potential impact of this missense change (SIFT: "Deleterious"; PolyPhen-2: "Possibly Damaging"; Align-GVGD: "Class C0"). In summary, the available evidence is currently insufficient to determine the role of this variant in disease. Therefore, it has been classified as a Variant of Uncertain Significance.

PreventionGenetics, part of Exact Sciences
Classification: Likely benign for ZNF469-related condition. Last evaluated: 2023-11-28. Review status: no assertion criteria provided. Collection method: clinical testing. Allele origin: germline. Not counted in ClinVar's aggregate classification.
Comment: This variant is classified as likely benign based on ACMG/AMP sequence variant interpretation guidelines (Richards et al. 2015 PMID: 25741868, with internal and published modifications).

NM_001367624.2(ZNF469):c.4909C>T (p.Arg1637Trp)

Gene: ZNF469 (zinc finger protein 469; plus strand). Cytogenetic location: 16q24.2.
Variant type: single nucleotide variant.
Coding change: c.4909C>T on transcript NM_001367624.2 (MANE Select); coding-DNA position 4909, C replaced by T.
Protein change: p.Arg1637Trp; replaces arginine 1637 with tryptophan.
Molecular consequence: missense variant.
Genome position (GRCh38, 1-based): chr16:88,432,379, C>T. VCF-style: chr16-88432379-C-T. GRCh37 (hg19) VCF-style: chr16-88498787-C-T.
Other names: NM_001127464.1:c.4825C>T; NM_001127464.2:c.4825C>T; p.Arg1637Trp; short protein forms R1637W.
Identifiers: ClinVar variation 320933 (VCV000320933.57), dbSNP rs575820215, ClinGen allele CA8225024.